The following is an entry in ClinVar:

ClinVar aggregate classification (germline): Benign/Likely benign. Review status: criteria provided, multiple submitters, no conflicts (2 of 4 stars). 12 submissions from 12 submitters: Benign (4); Likely benign (8). Last evaluated 2026-01-25.

Conditions:
Intrauterine growth retardation, metaphyseal dysplasia, adrenal hypoplasia congenita, genital anomalies, and immunodeficiency. Also called: IMAGEI SYNDROME. Identifiers: MedGen C5193036, MONDO:0032684, OMIM 618336.
Facial dysmorphism-immunodeficiency-livedo-short stature syndrome. Also called: FILS syndrome; Facial dysmorphism, immunodeficiency, livedo, and short stature. Identifiers: Orphanet 352712, MedGen C3554576, MONDO:0014058, OMIM 615139.
Colorectal cancer, susceptibility to, 12 (CRCS12). Also called: COLORECTAL CANCER, SUSCEPTIBILITY TO, ON CHROMOSOME 12q24. Identifiers: Orphanet 220460, MedGen C3554460, MONDO:0014038, OMIM 615083.
Hereditary cancer-predisposing syndrome. Also called: Tumor predisposition; Hereditary Cancer Syndrome; Neoplastic Syndromes, Hereditary; Hereditary neoplastic syndrome. Identifiers: Orphanet 140162, MedGen C0027672, MeSH D009386, MONDO:0015356.

Allele frequency attached by ClinVar (database versions not stated): gnomAD 0.00003; gnomAD exomes 0.00052; 1000 Genomes Project 30x 0.00265; 1000 Genomes Project 0.00280.
gnomAD v4.1: 806 of 1,614,062 alleles (0.05%); highest among the groups gnomAD compares: South Asian, 0.83%; 15 homozygotes.

Submissions (12):

Labcorp Genetics (formerly Invitae), Labcorp
Classification: Benign. Last evaluated: 2026-01-25. Review status: criteria provided, single submitter. Criteria: Invitae Variant Classification Sherloc (09022015). Collection method: clinical testing. Allele origin: germline.

CeGaT Center for Human Genetics Tuebingen
Classification: Likely benign. Last evaluated: 2025-09-01. Review status: criteria provided, single submitter. Criteria: CeGaT Center For Human Genetics Tuebingen Variant Classification Criteria Version 2. Collection method: clinical testing. Allele origin: germline. Affected: yes. Observed: 3 variant alleles.
Comment: POLE: BP4, BP7, BS2

Center for Genomic Medicine, Rigshospitalet, Copenhagen University Hospital
Classification: Likely benign. Last evaluated: 2025-03-04. Review status: criteria provided, single submitter. Criteria: ACMG Guidelines, 2015. Collection method: clinical testing. Allele origin: germline.

Women's Health and Genetics/Laboratory Corporation of America, LabCorp
Classification: Likely benign. Last evaluated: 2024-10-26. Review status: criteria provided, single submitter. Criteria: LabCorp Variant Classification Summary - May 2015. Collection method: clinical testing. Allele origin: germline.

Department of Pathology and Laboratory Medicine, Sinai Health System
Classification: Likely benign for Colorectal cancer, susceptibility to, 12; Facial dysmorphism-immunodeficiency-livedo-short stature syndrome; Intrauterine growth retardation, metaphyseal dysplasia, adrenal hypoplasia congenita, genital anomalies, and immunodeficiency. Last evaluated: 2024-03-07. Review status: criteria provided, single submitter. Criteria: ACMG Guidelines, 2015. Collection method: clinical testing. Allele origin: germline. Affected: yes.

KCCC/NGS Laboratory, Kuwait Cancer Control Center
Classification: Benign for Colorectal cancer, susceptibility to, 12. Last evaluated: 2023-07-07. Review status: criteria provided, single submitter. Criteria: ACMG Guidelines, 2015. Collection method: clinical testing. Allele origin: germline. Affected: yes.

Fulgent Genetics
Classification: Likely benign for Colorectal cancer, susceptibility to, 12; Facial dysmorphism-immunodeficiency-livedo-short stature syndrome; Intrauterine growth retardation, metaphyseal dysplasia, adrenal hypoplasia congenita, genital anomalies, and immunodeficiency. Last evaluated: 2021-10-27. Review status: criteria provided, single submitter. Criteria: ACMG Guidelines, 2015. Collection method: clinical testing. Allele origin: unknown.

Sema4
Classification: Benign for Hereditary cancer-predisposing syndrome. Last evaluated: 2020-09-29. Review status: criteria provided, single submitter. Criteria: Sema4 Curation Guidelines. Collection method: curation. Allele origin: germline.

GeneDx
Classification: Likely benign. Last evaluated: 2020-09-16. Review status: criteria provided, single submitter. Criteria: GeneDx Variant Classification Process June 2021. Collection method: clinical testing. Allele origin: germline. Affected: yes.

PreventionGenetics, part of Exact Sciences
Classification: Benign. Last evaluated: 2017-08-03. Review status: criteria provided, single submitter. Criteria: ACMG Guidelines, 2015. Collection method: clinical testing. Allele origin: germline.

Quest Diagnostics Nichols Institute San Juan Capistrano
Classification: Likely benign. Last evaluated: 2017-01-17. Review status: criteria provided, single submitter. Criteria: Quest Diagnostics criteria. Collection method: clinical testing. Allele origin: unknown.

Ambry Genetics
Classification: Likely benign for Hereditary cancer-predisposing syndrome. Last evaluated: 2015-08-27. Review status: criteria provided, single submitter. Criteria: Ambry Variant Classification Scheme 2023. Collection method: clinical testing. Allele origin: germline.

NM_006231.4(POLE):c.5478G>T (p.Arg1826=)

Gene: POLE (DNA polymerase epsilon, catalytic subunit; minus strand). Cytogenetic location: 12q24.33.
Variant type: single nucleotide variant.
Coding change: c.5478G>T on transcript NM_006231.4 (MANE Select); coding-DNA position 5478, G replaced by T.
Protein change: p.Arg1826=; no amino-acid change (arginine 1826 retained).
Molecular consequence: synonymous variant.
Genome position (GRCh38, 1-based): chr12:132,639,199, C>A on the plus strand (G>T on the coding strand, the complement: POLE is on the minus strand). VCF-style: chr12-132639199-C-A. GRCh37 (hg19) VCF-style: chr12-133215785-C-A.
Identifiers: ClinVar variation 240558 (VCV000240558.66), dbSNP rs537648186, ClinGen allele CA6892514.